The following is an entry in ClinVar:

ClinVar aggregate classification (germline): Conflicting classifications of pathogenicity. Review status: criteria provided, conflicting classifications (1 of 4 stars). 5 submissions from 5 submitters: Uncertain significance (4); Benign (1). Last evaluated 2025-11-08.

Conditions:
Cole-Carpenter syndrome 1 (CLCRP1). Also called: BONE FRAGILITY WITH CRANIOSYNOSTOSIS, OCULAR PROPTOSIS, HYDROCEPHALUS, AND DISTINCTIVE FACIAL FEATURES. Identifiers: Orphanet 2050, MedGen C4317154, MONDO:0007204, OMIM 112240.
P4HB-related disorder. Also called: P4HB-related condition.
Inborn genetic diseases. Identifiers: MedGen C0950123, MeSH D030342.

Allele frequency attached by ClinVar (database versions not stated): ExAC 0.00005; gnomAD exomes 0.00005; gnomAD 0.00017; TOPMed 0.00020.
gnomAD v4.1: 113 of 1,613,888 alleles (0.007%); highest among the groups gnomAD compares: Middle Eastern, 0.033%; no homozygotes.

Submissions (5):

Labcorp Genetics (formerly Invitae), Labcorp
Classification: Benign. Last evaluated: 2025-11-08. Review status: criteria provided, single submitter. Criteria: Invitae Variant Classification Sherloc (09022015). Collection method: clinical testing. Allele origin: germline.

PreventionGenetics, part of Exact Sciences
Classification: Uncertain significance for P4HB-related condition. Last evaluated: 2025-08-05. Review status: criteria provided, single submitter. Criteria: ACMG Guidelines, 2015. Collection method: clinical testing. Allele origin: germline.
Comment: The P4HB c.1153A>G variant is predicted to result in the amino acid substitution p.Lys385Glu. To our knowledge, this variant has not been reported in the literature. This variant is reported in 0.016% of alleles in individuals of African descent in gnomAD. Although we suspect that this variant may be benign, at this time, the clinical significance of this variant is uncertain due to the absence of conclusive functional and genetic evidence.

Ambry Genetics
Classification: Uncertain significance for Inborn genetic diseases. Last evaluated: 2024-07-05. Review status: criteria provided, single submitter. Criteria: Ambry Variant Classification Scheme 2023. Collection method: clinical testing. Allele origin: germline.

Fulgent Genetics
Classification: Uncertain significance for Cole-Carpenter syndrome 1. Last evaluated: 2024-02-05. Review status: criteria provided, single submitter. Criteria: ACMG Guidelines, 2015. Collection method: clinical testing. Allele origin: germline.

Revvity Omics, Revvity
Classification: Uncertain significance for Cole-Carpenter syndrome 1. Last evaluated: 2019-06-25. Review status: criteria provided, single submitter. Criteria: ACMG Guidelines, 2015. Collection method: clinical testing. Allele origin: germline.

NM_000918.4(P4HB):c.1153A>G (p.Lys385Glu)

Gene: P4HB (prolyl 4-hydroxylase subunit beta; minus strand). Cytogenetic location: 17q25.3.
Variant type: single nucleotide variant.
Coding change: c.1153A>G on transcript NM_000918.4 (MANE Select); coding-DNA position 1153, A replaced by G.
Protein change: p.Lys385Glu; replaces lysine 385 with glutamic acid.
Molecular consequence: missense variant.
Genome position (GRCh38, 1-based): chr17:81,845,895, T>C on the plus strand (A>G on the coding strand, the complement: P4HB is on the minus strand). VCF-style: chr17-81845895-T-C. GRCh37 (hg19) VCF-style: chr17-79803771-T-C.
Other names: c.1153A>G (NM_000918.3); short protein forms K385E.
Identifiers: ClinVar variation 2053946 (VCV002053946.10), dbSNP rs761976262, ClinGen allele CA8842715.